The following is an entry in ClinVar:

NM_000203.5(IDUA):c.1045G>T (p.Asp349Tyr)

Gene: IDUA (alpha-L-iduronidase; plus strand). Cytogenetic location: 4p16.3.
Variant type: single nucleotide variant.
Coding change: c.1045G>T on transcript NM_000203.5 (MANE Select); coding-DNA position 1045, G replaced by T.
Protein change: p.Asp349Tyr; replaces aspartic acid 349 with tyrosine.
Molecular consequence: missense variant. On other transcripts: non-coding transcript variant (1).
Genome position (GRCh38, 1-based): chr4:1,002,341, G>T. VCF-style: chr4-1002341-G-T. GRCh37 (hg19) VCF-style: chr4-996129-G-T.
Other names: c.649G>T, p.Asp217Tyr (NM_001363576.1); short protein forms D349Y, D217Y.
Identifiers: ClinVar variation 638075 (VCV000638075.17), dbSNP rs368454909, ClinGen allele CA355963146.
Genomic context (GRCh38, chr4:1,002,341, plus strand): 5'-CATCAGAACCTGCTACTGGCCAACACCACCTCCGCCTTCCCCTACGCGCTCCTGAGCAAC[G>T]ACAATGCCTTCCTGAGCTACCACCCGCACCCCTTCGCGCAGCGCACGCTCACCGCGCGCT-3'
Protein context (NP_000194.2, residues 339-359): SAFPYALLSN[Asp349Tyr]NAFLSYHPHP

ClinVar aggregate classification (germline): Pathogenic/Likely pathogenic. Review status: criteria provided, multiple submitters, no conflicts (2 of 4 stars). 4 submissions from 4 submitters: Pathogenic (2); Likely pathogenic (2). Last evaluated 2025-08-29.

Conditions:
Mucopolysaccharidosis, MPS-I-S. Also called: MUCOPOLYSACCHARIDOSIS TYPE IS; MPS V; MUCOPOLYSACCHARIDOSIS TYPE V; Scheie Syndrome. Identifiers: Orphanet 93474, MedGen C0026708, MONDO:0011760, OMIM 607016.
Mucopolysaccharidosis, MPS-I-H/S. Also called: Mucopolysaccharidosis type IH/S. Identifiers: Orphanet 93476, MedGen C0086431, MONDO:0011759, OMIM 607015.
Hurler syndrome. Also called: MUCOPOLYSACCHARIDOSIS TYPE IH; Severe MPS I (Hurler Syndrome); Gargoylism, Hurler Syndrome. Identifiers: Orphanet 93473, MedGen C0086795, MONDO:0011758, OMIM 607014.
Mucopolysaccharidosis type 1. Also called: IDUA deficiency; MPS I; Mucopolysaccharidosis Type I. Identifiers: Orphanet 579, MedGen C0023786, MONDO:0001586.

gnomAD v4.1: 2 of 1,613,182 alleles (0.00012%); highest among the groups gnomAD compares: Non-Finnish European, 0.00017%; no homozygotes.

Submissions (4):

Natera, Inc.
Classification: Pathogenic for Mucopolysaccharidosis type I. Last evaluated: 2025-08-29. Review status: criteria provided, single submitter. Criteria: Natera Variant Classification Schema (03/2026). Collection method: clinical testing. Allele origin: germline.
Comment: The c.1045G>T variant in IDUA is a missense variant predicted to cause substitution of aspartic acid to tyrosine at amino acid 349. This variant is rare in the general population with a frequency below the threshold expected for the associated phenotype(s). This variant has been observed in one or more individuals affected with the associated recessive disease, as either homozygous or compound heterozygous with a second variant (PMID: 31194252, 30809705, 29240299, 28752568, 12203999). Functional studies show that this variant may disrupt protein function (PMID: 12559846). A different variant at the same position has been determined to be Pathogenic or Likely Pathogenic. Computational prediction algorithms indicate this variant is likely to affect gene or protein function. Given the available evidence, this variant is classified as Pathogenic.

Fulgent Genetics
Classification: Likely pathogenic for Hurler syndrome; Mucopolysaccharidosis, MPS-I-H/S; Mucopolysaccharidosis, MPS-I-S. Last evaluated: 2024-02-06. Review status: criteria provided, single submitter. Criteria: ACMG Guidelines, 2015. Collection method: clinical testing. Allele origin: germline.

Labcorp Genetics (formerly Invitae), Labcorp
Classification: Pathogenic for Mucopolysaccharidosis type 1. Last evaluated: 2023-06-15. Review status: criteria provided, single submitter. Criteria: Invitae Variant Classification Sherloc (09022015). Collection method: clinical testing. Allele origin: germline.
Comment: This variant is not present in population databases (gnomAD no frequency). This missense change has been observed in individuals with mucopolysaccharidosis type I (PMID: 12203999, 12559846, 28752568, 30809705). ClinVar contains an entry for this variant (Variation ID: 638075). Advanced modeling of protein sequence and biophysical properties (such as structural, functional, and spatial information, amino acid conservation, physicochemical variation, residue mobility, and thermodynamic stability) performed at Invitae indicates that this missense variant is expected to disrupt IDUA protein function. Experimental studies have shown that this missense change affects IDUA function (PMID: 12559846). This variant disrupts the p.Asp349 amino acid residue in IDUA. Other variant(s) that disrupt this residue have been observed in individuals with IDUA-related conditions (PMID: 8680403), which suggests that this may be a clinically significant amino acid residue. For these reasons, this variant has been classified as Pathogenic. This sequence change replaces aspartic acid, which is acidic and polar, with tyrosine, which is neutral and polar, at codon 349 of the IDUA protein (p.Asp349Tyr).

Laboratory of Diagnosis and Therapy of Lysosomal Disorders, University of Padova
Classification: Likely pathogenic for Mucopolysaccharidosis type I. Last evaluated: 2019-01-01. Review status: criteria provided, single submitter. Criteria: ACMG Guidelines, 2015. Collection method: literature only. Allele origin: germline. Affected: yes.
Comment: PS1:Same amino acid change as a previously established pathogenic variant regardless of nucleotide change [c.1045G>A; p.(Asp349Asn)]. PM2: Absent from GnomAD. PP3:multiple lines of computational evidence supporting a deleterious effect (DANN, MutationTaster, GERP, SIFT). PP5: Reputable source recently reports variants as pathogenic

Literature cited by the submitters: PubMed 31194252 (cited by Natera, Inc.); PubMed 30809705 (cited by 3 submitters); PubMed 29240299 (cited by Natera, Inc.); PubMed 28752568 (cited by Natera, Inc. and Labcorp Genetics (formerly Invitae), Labcorp); PubMed 12203999 (cited by 3 submitters); PubMed 12559846 (cited by Natera, Inc. and Labcorp Genetics (formerly Invitae), Labcorp); PubMed 8680403 (cited by Labcorp Genetics (formerly Invitae), Labcorp).